The following is an entry in ClinVar:

NM_018941.4(CLN8):c.682C>G (p.Leu228Val)

Gene: CLN8 (CLN8 transmembrane ER and ERGIC protein; plus strand). Cytogenetic location: 8p23.3.
Variant type: single nucleotide variant.
Coding change: c.682C>G on transcript NM_018941.4 (MANE Select); coding-DNA position 682, C replaced by G.
Protein change: p.Leu228Val; replaces leucine 228 with valine.
Molecular consequence: missense variant.
Genome position (GRCh38, 1-based): chr8:1,780,388, C>G. VCF-style: chr8-1780388-C-G. GRCh37 (hg19) VCF-style: chr8-1728554-C-G.
Other names: short protein forms L228V.
Identifiers: ClinVar variation 655406 (VCV000655406.3), dbSNP rs1585151658, ClinGen allele CA369954111.
Genomic context (GRCh38, chr8:1,780,388, plus strand): 5'-ACCTACCACATGTGGTGGGTGTGTTTCTGGCACTGGGACGGCCTGGTCAGCAGCCTGTAT[C>G]TGCCTCATTTGACACTGTTCCTTGTCGGACTGGCTCTGCTTACGCTAATCATTAATCCAT-3'
Protein context (NP_061764.2, residues 218-238): HWDGLVSSLY[Leu228Val]PHLTLFLVGL

ClinVar aggregate classification (germline): Uncertain significance (1 of 4 stars; one submission).

Conditions:
Neuronal ceroid lipofuscinosis. Also called: Neuronal Ceroid Lipofuscinoses. Identifiers: Orphanet 216, Orphanet 79263, MedGen C0027877, MONDO:0016295. Disease mechanism: loss of function.

Submission:

Labcorp Genetics (formerly Invitae), Labcorp
Classification: Uncertain significance for Neuronal ceroid lipofuscinosis. Last evaluated: 2021-09-01. Review status: criteria provided, single submitter. Criteria: Invitae Variant Classification Sherloc (09022015). Collection method: clinical testing. Allele origin: germline.
Comment: This sequence change replaces leucine with valine at codon 228 of the CLN8 protein (p.Leu228Val). The leucine residue is highly conserved and there is a small physicochemical difference between leucine and valine. This variant is not present in population databases (ExAC no frequency). This variant has not been reported in the literature in individuals affected with CLN8-related conditions. Algorithms developed to predict the effect of missense changes on protein structure and function are either unavailable or do not agree on the potential impact of this missense change (SIFT: "Deleterious"; PolyPhen-2: "Benign"; Align-GVGD: "Class C25"). In summary, the available evidence is currently insufficient to determine the role of this variant in disease. Therefore, it has been classified as a Variant of Uncertain Significance.